The following is an entry in ClinVar:

ClinVar aggregate classification (germline): Uncertain significance (1 of 4 stars; one submission).

Submission:

Ambry Genetics
Classification: Uncertain significance. Last evaluated: 2023-12-13. Review status: criteria provided, single submitter. Criteria: Ambry Variant Classification Scheme 2023. Collection method: clinical testing. Allele origin: germline.
Comment: The c.3379+3A>G intronic variant results from an A to G substitution 3 nucleotides after coding exon 2 in the MLH3 gene. This nucleotide position is not well conserved in available vertebrate species. In silico splice site analysis predicts that this alteration may weaken the native splice donor site. The evidence for this gene-disease relationship is limited; therefore, the clinical significance of this alteration is unclear.

NM_001040108.2(MLH3):c.3379+3A>G

Gene: MLH3 (mutL homolog 3; minus strand). Cytogenetic location: 14q24.3.
Variant type: single nucleotide variant.
Coding change: c.3379+3A>G on transcript NM_001040108.2 (MANE Select); 3 bases into the intron after coding-DNA position 3379, A replaced by G.
Molecular consequence: intron variant.
Genome position (GRCh38, 1-based): chr14:75,042,376, T>C on the plus strand (A>G on the coding strand, the complement: MLH3 is on the minus strand). VCF-style: chr14-75042376-T-C. GRCh37 (hg19) VCF-style: chr14-75509079-T-C.
Other names: c.3379+3A>G (NM_014381.3).
Identifiers: ClinVar variation 3232541 (VCV003232541.1), dbSNP rs2503219227, ClinGen allele CA2825002240.